The following is an entry in ClinVar:

NM_001792.5(CDH2):c.807C>G (p.His269Gln)

Gene: CDH2 (cadherin 2; minus strand). Cytogenetic location: 18q12.1.
Variant type: single nucleotide variant.
Coding change: c.807C>G on transcript NM_001792.5 (MANE Select); coding-DNA position 807, C replaced by G.
Protein change: p.His269Gln; replaces histidine 269 with glutamine.
Molecular consequence: missense variant.
Genome position (GRCh38, 1-based): chr18:28,005,889, G>C on the plus strand (C>G on the coding strand, the complement: CDH2 is on the minus strand). VCF-style: chr18-28005889-G-C. GRCh37 (hg19) VCF-style: chr18-25585853-G-C.
Other names: c.714C>G, p.His238Gln (NM_001308176.2); short protein forms H269Q, H238Q.
Identifiers: ClinVar variation 4608893 (VCV004608893.1).

ClinVar aggregate classification (germline): Uncertain significance (1 of 4 stars; one submission).

Conditions:
Inborn genetic diseases. Identifiers: MedGen C0950123, MeSH D030342.

Submission:

Ambry Genetics
Classification: Uncertain significance for Inborn genetic diseases. Last evaluated: 2025-11-22. Review status: criteria provided, single submitter. Criteria: Ambry Variant Classification Scheme 2023. Collection method: clinical testing. Allele origin: germline.
Comment: The p.H269Q variant (also known as c.807C>G), located in coding exon 6 of the CDH2 gene, results from a C to G substitution at nucleotide position 807. The histidine at codon 269 is replaced by glutamine, an amino acid with highly similar properties. This amino acid position is conserved. In addition, the in silico prediction for this alteration is inconclusive. Based on the available evidence, the clinical significance of this variant remains unclear.